The following is an entry in ClinVar:

NM_145068.4(TRPV3):c.853G>A (p.Glu285Lys)

Gene: TRPV3 (transient receptor potential cation channel subfamily V member 3; minus strand). Cytogenetic location: 17p13.2.
Variant type: single nucleotide variant.
Coding change: c.853G>A on transcript NM_145068.4 (MANE Select); coding-DNA position 853, G replaced by A.
Protein change: p.Glu285Lys; replaces glutamic acid 285 with lysine.
Molecular consequence: missense variant.
Genome position (GRCh38, 1-based): chr17:3,532,869, C>T on the plus strand (G>A on the coding strand, the complement: TRPV3 is on the minus strand). VCF-style: chr17-3532869-C-T. GRCh37 (hg19) VCF-style: chr17-3436163-C-T.
Other names: c.853G>A, p.Glu285Lys (NM_001258205.2); short protein forms E285K.
Identifiers: ClinVar variation 891148 (VCV000891148.4), dbSNP rs748594064, ClinGen allele CA8289689.

ClinVar aggregate classification (germline): Likely benign (1 of 4 stars; one submission).

Conditions:
Isolated focal non-epidermolytic palmoplantar keratoderma. Also called: Palmoplantar keratoderma, nonepidermolytic, focal 2. Identifiers: Orphanet 448264, MedGen C4225339, MONDO:0014622, OMIM 616400.

Allele frequency attached by ClinVar (database versions not stated): gnomAD 0.00001; ExAC 0.00002; gnomAD exomes 0.00004 and 0.00010; TOPMed 0.00004.
gnomAD v4.1: 152 of 1,614,132 alleles (0.0094%); highest among the groups gnomAD compares: Non-Finnish European, 0.012%; no homozygotes.

Submission:

Illumina Laboratory Services, Illumina
Classification: Likely benign for Isolated focal non-epidermolytic palmoplantar keratoderma. Last evaluated: 2018-01-12. Review status: criteria provided, single submitter. Criteria: ICSL Variant Classification Criteria 13 December 2019. Collection method: clinical testing. Allele origin: germline.
Comment: This variant was observed in the ICSL laboratory as part of a predisposition screen in an ostensibly healthy population. It had not been previously curated by ICSL or reported in the Human Gene Mutation Database (HGMD: prior to June 1st, 2018), and was therefore a candidate for classification through an automated scoring system. Utilizing variant allele frequency, disease prevalence and penetrance estimates, and inheritance mode, an automated score was calculated to assess if this variant is too frequent to cause the disease. Based on the score and internal cut-off values, a variant classified as likely benign is not then subjected to further curation. The score for this variant resulted in a classification of likely benign for this disease.